The following is an entry in ClinVar:

ClinVar aggregate classification (germline): Conflicting classifications of pathogenicity. Review status: criteria provided, conflicting classifications (1 of 4 stars). 3 submissions from 3 submitters: Uncertain significance (1); Likely benign (2). Last evaluated 2025-12-15.

Conditions:
Cardiovascular phenotype. Identifiers: MedGen CN230736.
Spinocerebellar ataxia type 19/22 (SCA19). Also called: SPINOCEREBELLAR ATAXIA 22; SPINOCEREBELLAR ATAXIA 19. Identifiers: Orphanet 98772, MedGen C1846367, MONDO:0011819, OMIM 607346.

Allele frequency attached by ClinVar (database versions not stated): TOPMed 0.00001; ExAC 0.00002.
gnomAD v4.1: 35 of 1,614,230 alleles (0.0022%); highest among the groups gnomAD compares: Admixed American, 0.017%; no homozygotes.

Submissions (3):

Labcorp Genetics (formerly Invitae), Labcorp
Classification: Likely benign for Spinocerebellar ataxia type 19/22. Last evaluated: 2025-12-15. Review status: criteria provided, single submitter. Criteria: Invitae Variant Classification Sherloc (09022015). Collection method: clinical testing. Allele origin: germline.

Ambry Genetics
Classification: Likely benign for Cardiovascular phenotype. Last evaluated: 2024-09-01. Review status: criteria provided, single submitter. Criteria: Ambry Variant Classification Scheme 2023. Collection method: clinical testing. Allele origin: germline.

GeneDx
Classification: Uncertain significance. Last evaluated: 2023-06-06. Review status: criteria provided, single submitter. Criteria: GeneDx Variant Classification Process June 2021. Collection method: clinical testing. Allele origin: germline. Affected: yes.
Comment: In silico analysis supports that this missense variant does not alter protein structure/function; Has not been previously published as pathogenic or benign to our knowledge

NM_001378969.1(KCND3):c.1919C>T (p.Thr640Met)

Gene: KCND3 (potassium voltage-gated channel subfamily D member 3; minus strand). Cytogenetic location: 1p13.2.
Variant type: single nucleotide variant.
Coding change: c.1919C>T on transcript NM_001378969.1 (MANE Select); coding-DNA position 1919, C replaced by T.
Protein change: p.Thr640Met; replaces threonine 640 with methionine.
Molecular consequence: missense variant.
Genome position (GRCh38, 1-based): chr1:111,776,126, G>A on the plus strand (C>T on the coding strand, the complement: KCND3 is on the minus strand). VCF-style: chr1-111776126-G-A. GRCh37 (hg19) VCF-style: chr1-112318748-G-A.
Other names: c.1862C>T, p.Thr621Met (NM_001378970.1, NM_172198.3); c.1919C>T, p.Thr640Met (NM_004980.5); short protein forms T640M, T621M.
Identifiers: ClinVar variation 1782617 (VCV001782617.7), dbSNP rs752589615, ClinGen allele CA1007315.